The following is an entry in ClinVar:

NM_004984.4(KIF5A):c.2539-13G>A

Gene: KIF5A (kinesin family member 5A; plus strand). Cytogenetic location: 12q13.3.
Variant type: single nucleotide variant.
Coding change: c.2539-13G>A on transcript NM_004984.4 (MANE Select); 13 bases into the intron before coding-DNA position 2539, G replaced by A.
Molecular consequence: intron variant.
Genome position (GRCh38, 1-based): chr12:57,580,943, G>A. VCF-style: chr12-57580943-G-A. GRCh37 (hg19) VCF-style: chr12-57974726-G-A.
Other names: c.2272-13G>A (NM_001354705.2).
Identifiers: ClinVar variation 390024 (VCV000390024.2), dbSNP rs1057523621, ClinGen allele CA16606677.

ClinVar aggregate classification (germline): Likely benign. Review status: criteria provided, multiple submitters, no conflicts (2 of 4 stars). 2 submissions from 2 submitters: Likely benign (2). Last evaluated 2025-04-27.

Conditions:
Spastic paraplegia. Identifiers: MedGen C0037772, HP:0001258.

Allele frequency attached by ClinVar (database versions not stated): TOPMed below 0.00001; gnomAD 0.00001.
gnomAD v4.1: 8 of 1,613,148 alleles (0.0005%); no homozygotes.

Submissions (2):

Labcorp Genetics (formerly Invitae), Labcorp
Classification: Likely benign for Spastic paraplegia. Last evaluated: 2025-04-27. Review status: criteria provided, single submitter. Criteria: Invitae Variant Classification Sherloc (09022015). Collection method: clinical testing. Allele origin: germline.

GeneDx
Classification: Likely benign. Last evaluated: 2016-10-18. Review status: criteria provided, single submitter. Criteria: GeneDx Variant Classification (06012015). Collection method: clinical testing. Allele origin: germline. Affected: yes.
Comment: This variant is considered likely benign or benign based on one or more of the following criteria: it is a conservative change, it occurs at a poorly conserved position in the protein, it is predicted to be benign by multiple in silico algorithms, and/or has population frequency not consistent with disease.